The following is an entry in ClinVar:

NM_000384.3(APOB):c.13303C>T (p.Gln4435Ter)

Gene: APOB (apolipoprotein B; minus strand). Cytogenetic location: 2p24.1.
Variant type: single nucleotide variant.
Coding change: c.13303C>T on transcript NM_000384.3 (MANE Select); coding-DNA position 13303, C replaced by T.
Protein change: p.Gln4435Ter; replaces glutamine 4435 with a stop codon.
Molecular consequence: nonsense.
Genome position (GRCh38, 1-based): chr2:21,002,119, G>A on the plus strand (C>T on the coding strand, the complement: APOB is on the minus strand). VCF-style: chr2-21002119-G-A. GRCh37 (hg19) VCF-style: chr2-21224991-G-A.
Other names: short protein forms Q4435*.
Identifiers: ClinVar variation 3761755 (VCV003761755.1).
Genomic context (GRCh38, chr2:21,002,119, plus strand): 5'-GGATGCTAAGATATTCCTGAATATTTCTGTGCAGAAATTGCTCAACTTGACTTGAGAGTT[G>A]GGAAGTAAAGTTAGAGGCACTGACAATATATTCAGAATGGAAGTCCTTAAGAGCAACTAA-3'

ClinVar aggregate classification (germline): Uncertain significance (1 of 4 stars; one submission).

Conditions:
Familial hypobetalipoproteinemia 1. Also called: APOB-Related Familial Hypobetalipoproteinemia; Hypobetalipoproteinemia, normotriglyceridemic; Acanthocytosis with hypobetalipoproteinemia. Identifiers: MedGen C4551990, MONDO:0014252, OMIM 615558.
Hypercholesterolemia, autosomal dominant, type B (FHCL2). Also called: Familial Hypercholesterolemia Type B; APOLIPOPROTEIN B-100, FAMILIAL DEFECTIVE; APOLIPOPROTEIN B-100, FAMILIAL LIGAND-DEFECTIVE; HYPERCHOLESTEROLEMIA, FAMILIAL, DUE TO LIGAND-DEFECTIVE APOLIPOPROTEIN B; Hyperlipoproteinemia Type IIb; Familial hypercholesterolemia 2. Identifiers: MedGen C1704417, MONDO:0007751, OMIM 144010.

Submission:

Labcorp Genetics (formerly Invitae), Labcorp
Classification: Uncertain significance for Familial hypobetalipoproteinemia 1; Hypercholesterolemia, autosomal dominant, type B. Last evaluated: 2024-08-15. Review status: criteria provided, single submitter. Criteria: Invitae Variant Classification Sherloc (09022015). Collection method: clinical testing. Allele origin: germline.
Comment: This sequence change creates a premature translational stop signal (p.Gln4435*) in the APOB gene. While this is not anticipated to result in nonsense mediated decay, it is expected to disrupt the last 129 amino acid(s) of the APOB protein. This variant is present in population databases (no rsID available, gnomAD 0.01%). This variant has not been reported in the literature in individuals affected with APOB-related conditions. Experimental studies and prediction algorithms are not available or were not evaluated, and the functional significance of this variant is currently unknown. In summary, the available evidence is currently insufficient to determine the role of this variant in disease. Therefore, it has been classified as a Variant of Uncertain Significance.